The following is an entry in ClinVar:

NM_173598.6(KSR2):c.402C>A (p.Tyr134Ter)

Gene: KSR2 (kinase suppressor of ras 2; minus strand). Cytogenetic location: 12q24.23.
Variant type: single nucleotide variant.
Coding change: c.402C>A on transcript NM_173598.6 (MANE Select); coding-DNA position 402, C replaced by A.
Protein change: p.Tyr134Ter; replaces tyrosine 134 with a stop codon.
Molecular consequence: nonsense.
Genome position (GRCh38, 1-based): chr12:117,855,498, G>T on the plus strand (C>A on the coding strand, the complement: KSR2 is on the minus strand). VCF-style: chr12-117855498-G-T. GRCh37 (hg19) VCF-style: chr12-118293303-G-T.
Other names: c.315C>A (NM_173598.4); short protein forms Y134*.
Identifiers: ClinVar variation 2862837 (VCV002862837.4), dbSNP rs759965853, ClinGen allele CA386938074.
Genomic context (GRCh38, chr12:117,855,498, plus strand): 5'-GACATTCCTGAGGCAGGAGAGGGAGGCGTTGAGGCGGGCACACTCCTCCCGGTTGGCTCC[G>T]TATTTCTCCACAGTCTCGCACACCTGTTCATCCGTCATCTCCAAGAGGTCCTCCAGGCTC-3'

ClinVar aggregate classification (germline): Uncertain significance. Review status: criteria provided, single submitter (1 of 4 stars). 2 submissions from 2 submitters: Uncertain significance (1). 1 of the submissions does not count toward it. Last evaluated 2023-06-03.

Conditions:
KSR2-related disorder. Also called: KSR2-related condition.

gnomAD v4.1: 1 of 1,613,988 alleles (0.000062%); highest among the groups gnomAD compares: Non-Finnish European, 0.000085%; no homozygotes.

Submissions (2):

Labcorp Genetics (formerly Invitae), Labcorp
Classification: Uncertain significance. Last evaluated: 2023-06-03. Review status: criteria provided, single submitter. Criteria: Invitae Variant Classification Sherloc (09022015). Collection method: clinical testing. Allele origin: germline.
Comment: This sequence change creates a premature translational stop signal (p.Tyr105*) in the KSR2 gene. It is expected to result in an absent or disrupted protein product. However, the current clinical and genetic evidence is not sufficient to establish whether loss-of-function variants in KSR2 cause disease. This variant is not present in population databases (gnomAD no frequency). This variant has not been reported in the literature in individuals affected with KSR2-related conditions. In summary, the available evidence is currently insufficient to determine the role of this variant in disease. Therefore, it has been classified as a Variant of Uncertain Significance.

PreventionGenetics, part of Exact Sciences
Classification: Uncertain significance for KSR2-related condition. Last evaluated: 2024-05-03. Review status: no assertion criteria provided. Collection method: clinical testing. Allele origin: germline. Not counted in ClinVar's aggregate classification.
Comment: The KSR2 c.315C>A variant is predicted to result in premature protein termination (p.Tyr105*). To our knowledge, this variant has not been reported in the literature or in a large population database, indicating this variant is rare. Although we suspect that this variant may be pathogenic, at this time, the clinical significance of this variant is uncertain due to the absence of conclusive functional and genetic evidence.